The following is an entry in ClinVar:

NM_024675.4(PALB2):c.652G>A (p.Glu218Lys)

Gene: PALB2 (partner and localizer of BRCA2; minus strand). Cytogenetic location: 16p12.2.
Variant type: single nucleotide variant.
Coding change: c.652G>A on transcript NM_024675.4 (MANE Select); coding-DNA position 652, G replaced by A.
Protein change: p.Glu218Lys; replaces glutamic acid 218 with lysine.
Molecular consequence: missense variant.
Genome position (GRCh38, 1-based): chr16:23,635,894, C>T on the plus strand (G>A on the coding strand, the complement: PALB2 is on the minus strand). VCF-style: chr16-23635894-C-T. GRCh37 (hg19) VCF-style: chr16-23647215-C-T.
Other names: c.652G>A (NM_024675.3); short protein forms E218K.
Identifiers: ClinVar variation 1365657 (VCV001365657.9), dbSNP rs2142438340, ClinGen allele CA395136496.

ClinVar aggregate classification (germline): Uncertain significance. Review status: criteria provided, multiple submitters, no conflicts (2 of 4 stars). 3 submissions from 3 submitters: Uncertain significance (3). Last evaluated 2026-07-07.

Conditions:
Hereditary cancer-predisposing syndrome. Also called: Hereditary Cancer Syndrome; Neoplastic Syndromes, Hereditary; Hereditary neoplastic syndrome; Tumor predisposition. Identifiers: Orphanet 140162, MedGen C0027672, MeSH D009386, MONDO:0015356.
Familial cancer of breast. Also called: hereditary breast carcinoma; Hereditary breast cancer; BREAST CANCER, FAMILIAL. Identifiers: Orphanet 227535, MedGen C0346153, MONDO:0016419, OMIM 114480. Disease mechanism: loss of function.

Submissions (3):

Ambry Genetics
Classification: Uncertain significance for Hereditary cancer-predisposing syndrome. Last evaluated: 2026-07-07. Review status: criteria provided, single submitter. Criteria: Ambry Variant Classification Scheme 2023. Collection method: clinical testing. Allele origin: germline.
Comment: The p.E218K variant (also known as c.652G>A), located in coding exon 4 of the PALB2 gene, results from a G to A substitution at nucleotide position 652. The glutamic acid at codon 218 is replaced by lysine, an amino acid with similar properties. This amino acid position is conserved. In addition, this alteration is predicted to be tolerated by in silico analysis. Based on the available evidence, the clinical significance of this variant remains unclear.

Institute for Biomarker Research, Medical Diagnostic Laboratories, L.L.C.
Classification: Uncertain significance for Hereditary cancer-predisposing syndrome. Last evaluated: 2024-08-20. Review status: criteria provided, single submitter. Criteria: ACMG Guidelines, 2015. Collection method: clinical testing. Allele origin: germline.
Comment: The p.Glu218Lys variant is not predicted to introduce a novel splice site by any splice site algorithm. The p.Glu218Lys missense variant is predicted to be tolerated by both SIFT or PolyPhen2. The nucleotide c.652 in PALB2 is not conserved according to a GERP++ and PhyloP analysis of 100 vertebrates. For these reasons, this variant has been classified as Uncertain Significance.

Labcorp Genetics (formerly Invitae), Labcorp
Classification: Uncertain significance for Familial cancer of breast. Last evaluated: 2021-09-05. Review status: criteria provided, single submitter. Criteria: Invitae Variant Classification Sherloc (09022015). Collection method: clinical testing. Allele origin: germline.
Comment: This sequence change replaces glutamic acid with lysine at codon 218 of the PALB2 protein (p.Glu218Lys). The glutamic acid residue is moderately conserved and there is a small physicochemical difference between glutamic acid and lysine. This variant is not present in population databases (ExAC no frequency). This variant has not been reported in the literature in individuals affected with PALB2-related conditions. Algorithms developed to predict the effect of missense changes on protein structure and function (SIFT, PolyPhen-2, Align-GVGD) all suggest that this variant is likely to be tolerated. In summary, the available evidence is currently insufficient to determine the role of this variant in disease. Therefore, it has been classified as a Variant of Uncertain Significance.